The following is an entry in ClinVar:

ClinVar aggregate classification (germline): Uncertain significance. Review status: criteria provided, multiple submitters, no conflicts (2 of 4 stars). 3 submissions from 3 submitters: Uncertain significance (2). 1 of the submissions does not count toward it. Last evaluated 2025-10-28.

Conditions:
Retinal dystrophy. Also called: Inherited retinal dystrophy. Identifiers: Orphanet 71862, MedGen C0854723, MeSH D058499, MONDO:0019118, HP:0000556.

gnomAD v4.1: 12 of 1,612,332 alleles (0.00074%); highest among the groups gnomAD compares: Non-Finnish European, 0.001%; no homozygotes.

Submissions (3):

Women's Health and Genetics/Laboratory Corporation of America, LabCorp
Classification: Uncertain significance. Last evaluated: 2025-10-28. Review status: criteria provided, single submitter. Criteria: LabCorp Variant Classification Summary - May 2015. Collection method: clinical testing. Allele origin: germline.
Comment: Variant summary: ABCA4 c.2200T>G (p.Phe734Val) results in a non-conservative amino acid change in the encoded protein sequence. Algorithms developed to predict the effect of missense changes on protein structure and function are either unavailable or do not agree on the potential impact of this missense change. The variant allele was found at a frequency of 8.1e-06 in 247070 control chromosomes. The available data on variant occurrences in the general population are insufficient to allow any conclusion about variant significance. c.2200T>G has been observed in individual(s) affected with retinal dystrophy or optic neuropathy (Matczynska_2024). These report(s) do not provide unequivocal conclusions about association of the variant with Retinitis Pigmentosa. To our knowledge, no experimental evidence demonstrating an impact on protein function has been reported. The following publication has been ascertained in the context of this evaluation (PMID: 38927562). ClinVar contains an entry for this variant (Variation ID: 3248772). Based on the evidence outlined above, the variant was classified as uncertain significance.

Blueprint Genetics
Classification: Uncertain significance. Last evaluated: 2022-10-05. Review status: criteria provided, single submitter. Criteria: ACMG Guidelines, 2015. Collection method: clinical testing. Allele origin: germline.

Institute of Human Genetics, Univ. Regensburg, Univ. Regensburg
Classification: Uncertain significance for Retinal dystrophy. Last evaluated: 2019-01-01. Review status: no assertion criteria provided. Criteria: ACMG Guidelines, 2015. Collection method: clinical testing. Allele origin: germline. Affected: yes. Not counted in ClinVar's aggregate classification.

Literature cited by the submitters: PubMed 38927562 (cited by Women's Health and Genetics/Laboratory Corporation of America, LabCorp).

NM_000350.3(ABCA4):c.2200T>G (p.Phe734Val)

Gene: ABCA4 (ATP binding cassette subfamily A member 4; minus strand). Cytogenetic location: 1p22.1.
Variant type: single nucleotide variant.
Coding change: c.2200T>G on transcript NM_000350.3 (MANE Select); coding-DNA position 2200, T replaced by G.
Protein change: p.Phe734Val; replaces phenylalanine 734 with valine.
Molecular consequence: missense variant.
Genome position (GRCh38, 1-based): chr1:94,056,783, A>C on the plus strand (T>G on the coding strand, the complement: ABCA4 is on the minus strand). VCF-style: chr1-94056783-A-C. GRCh37 (hg19) VCF-style: chr1-94522339-A-C.
Other names: short protein forms F734V.
Identifiers: ClinVar variation 3248772 (VCV003248772.3).